The following is an entry in ClinVar:

ClinVar aggregate classification (germline): Likely benign (0 of 4 stars; one submission).

Conditions:
PKD1-related disorder. Also called: PKD1-related condition.

Allele frequency attached by ClinVar (database versions not stated): TOPMed below 0.00001; gnomAD 0.00001; ExAC 0.00003.
gnomAD v4.1: 17 of 1,600,214 alleles (0.0011%); highest among the groups gnomAD compares: Middle Eastern, 0.023%; no homozygotes.

Submission:

PreventionGenetics, part of Exact Sciences
Classification: Likely benign for PKD1-related condition. Last evaluated: 2020-08-19. Review status: no assertion criteria provided. Collection method: clinical testing. Allele origin: germline.
Comment: This variant is classified as likely benign based on ACMG/AMP sequence variant interpretation guidelines (Richards et al. 2015 PMID: 25741868, with internal and published modifications).

NM_001009944.3(PKD1):c.8202A>G (p.Pro2734=)

Gene: PKD1 (polycystin 1, transient receptor potential channel interacting; minus strand). Cytogenetic location: 16p13.3.
Variant type: single nucleotide variant.
Coding change: c.8202A>G on transcript NM_001009944.3 (MANE Select); coding-DNA position 8202, A replaced by G.
Protein change: p.Pro2734=; no amino-acid change (proline 2734 retained).
Molecular consequence: synonymous variant.
Genome position (GRCh38, 1-based): chr16:2,103,855, T>C on the plus strand (A>G on the coding strand, the complement: PKD1 is on the minus strand). VCF-style: chr16-2103855-T-C. GRCh37 (hg19) VCF-style: chr16-2153856-T-C.
Other names: c.8202A>G, p.Pro2734= (NM_000296.4).
Identifiers: ClinVar variation 3031839 (VCV003031839.2), dbSNP rs764743355, ClinGen allele CA7830615.